The following is an entry in ClinVar:

NM_000702.4(ATP1A2):c.631-231T>G

Genes: ATP1A2 (ATPase Na+/K+ transporting subunit alpha 2; plus strand), LOC126805890 (CDK7 strongly-dependent group 2 enhancer GRCh37_chr1:160093987-160095186; plus strand). Cytogenetic location: 1q23.2.
Variant type: single nucleotide variant.
Coding change: c.631-231T>G on transcript NM_000702.4 (MANE Select); 231 bases into the intron before coding-DNA position 631, T replaced by G.
Molecular consequence: intron variant.
Genome position (GRCh38, 1-based): chr1:160,124,905, T>G. VCF-style: chr1-160124905-T-G. GRCh37 (hg19) VCF-style: chr1-160094695-T-G.
Identifiers: ClinVar variation 679999 (VCV000679999.1), dbSNP rs56281131, ClinGen allele CA31490750.
Genomic context (GRCh38, chr1:160,124,905, plus strand): 5'-GGTTGTGCAAGGCAGAGATTCTGTTTACATTCACCATTTTACAGTTGAGTACATGGAGGC[T>G]CTCTTGGTTAAGCAAGTAACCCGAGGTCACATAAGAAGTCAGGAGGAGTCAGAATTCCAA-3'

ClinVar aggregate classification (germline): Likely benign (1 of 4 stars; one submission).

Allele frequency attached by ClinVar (database versions not stated): 1000 Genomes Project 30x 0.00484; 1000 Genomes Project 0.00499; TOPMed 0.01618; gnomAD 0.01647 and 0.01700.
gnomAD v4.1: 2,525 of 152,246 alleles (1.7%); highest among the groups gnomAD compares: Non-Finnish European, 2.8%; 35 homozygotes.

Submission:

GeneDx
Classification: Likely benign. Last evaluated: 2018-06-16. Review status: criteria provided, single submitter. Criteria: GeneDx Variant Classification (06012015). Collection method: clinical testing. Allele origin: germline. Affected: yes.
Comment: This variant is considered likely benign or benign based on one or more of the following criteria: it is a conservative change, it occurs at a poorly conserved position in the protein, it is predicted to be benign by multiple in silico algorithms, and/or has population frequency not consistent with disease.